The following is an entry in ClinVar:

NC_000002.11:g.(?_63486422)_(63609249_?)del

Gene: WDPCP (WD repeat containing planar cell polarity effector; minus strand). Cytogenetic location: 2p15.
Variant type: Deletion.
Identifiers: ClinVar variation 2426238 (VCV002426238.4).

ClinVar aggregate classification (germline): Uncertain significance (1 of 4 stars; one submission).

Conditions:
Bardet-Biedl syndrome (BBS). Identifiers: Orphanet 110, MedGen C0752166, MONDO:0015229.

Submission:

Labcorp Genetics (formerly Invitae), Labcorp
Classification: Uncertain significance for Bardet-Biedl syndrome. Last evaluated: 2022-04-30. Review status: criteria provided, single submitter. Criteria: Invitae Variant Classification Sherloc (09022015). Collection method: clinical testing. Allele origin: germline.
Comment: In summary, the available evidence is currently insufficient to determine the role of this variant in disease. Therefore, it has been classified as a Variant of Uncertain Significance. Experimental studies and prediction algorithms are not available or were not evaluated, and the functional significance of this variant is currently unknown. This variant has not been reported in the literature in individuals affected with WDPCP-related conditions. This variant is a gross deletion of the genomic region encompassing exon(s) 11-14 of the WDPCP gene. This variant would be expected to be in-frame, preserving the integrity of the reading frame.